The following is an entry in ClinVar:

NM_207361.6(FREM2):c.7966A>T (p.Ile2656Phe)

Gene: FREM2 (FRAS1 related extracellular matrix 2; plus strand). Cytogenetic location: 13q13.3.
Variant type: single nucleotide variant.
Coding change: c.7966A>T on transcript NM_207361.6 (MANE Select); coding-DNA position 7966, A replaced by T.
Protein change: p.Ile2656Phe; replaces isoleucine 2656 with phenylalanine.
Molecular consequence: missense variant.
Genome position (GRCh38, 1-based): chr13:38,864,589, A>T. VCF-style: chr13-38864589-A-T. GRCh37 (hg19) VCF-style: chr13-39438726-A-T.
Other names: short protein forms I2656F.
Identifiers: ClinVar variation 703590 (VCV000703590.13), dbSNP rs150007765, ClinGen allele CA6955992.

ClinVar aggregate classification (germline): Likely benign. Review status: criteria provided, multiple submitters, no conflicts (2 of 4 stars). 3 submissions from 3 submitters: Likely benign (2). 1 of the submissions does not count toward it. Last evaluated 2026-01-22.

Conditions:
FREM2-related disorder. Also called: FREM2-related condition.

Allele frequency attached by ClinVar (database versions not stated): ExAC 0.00065; gnomAD 0.00035; 1000 Genomes Project 0.00120; 1000 Genomes Project 30x 0.00125; ESP Exome Variant Server 0.00008; TOPMed 0.00065.
gnomAD v4.1: 604 of 1,614,026 alleles (0.037%); highest among the groups gnomAD compares: Admixed American, 0.62%; 5 homozygotes.

Submissions (3):

Labcorp Genetics (formerly Invitae), Labcorp
Classification: Likely benign. Last evaluated: 2026-01-22. Review status: criteria provided, single submitter. Criteria: Invitae Variant Classification Sherloc (09022015). Collection method: clinical testing. Allele origin: germline.

Breakthrough Genomics
Classification: Likely benign. Review status: criteria provided, single submitter. Criteria: ACMG Guidelines, 2015. Collection method: not provided. Allele origin: germline. Inheritance: Autosomal recessive inheritance. Affected: yes.

PreventionGenetics, part of Exact Sciences
Classification: Likely benign for FREM2-related condition. Last evaluated: 2022-02-10. Review status: no assertion criteria provided. Collection method: clinical testing. Allele origin: germline. Not counted in ClinVar's aggregate classification.
Comment: This variant is classified as likely benign based on ACMG/AMP sequence variant interpretation guidelines (Richards et al. 2015 PMID: 25741868, with internal and published modifications).